The following is an entry in ClinVar:

NM_001194998.2(CEP152):c.2068C>T (p.Arg690Cys)

Gene: CEP152 (centrosomal protein 152; minus strand). Cytogenetic location: 15q21.1.
Variant type: single nucleotide variant.
Coding change: c.2068C>T on transcript NM_001194998.2 (MANE Select); coding-DNA position 2068, C replaced by T.
Protein change: p.Arg690Cys; replaces arginine 690 with cysteine.
Molecular consequence: missense variant.
Genome position (GRCh38, 1-based): chr15:48,767,414, G>A on the plus strand (C>T on the coding strand, the complement: CEP152 is on the minus strand). VCF-style: chr15-48767414-G-A. GRCh37 (hg19) VCF-style: chr15-49059611-G-A.
Other names: c.2068C>T, p.Arg690Cys (NM_014985.4); short protein forms R690C.
Identifiers: ClinVar variation 158241 (VCV000158241.13), dbSNP rs587783419, ClinGen allele CA211028.

ClinVar aggregate classification (germline): Uncertain significance. Review status: criteria provided, multiple submitters, no conflicts (2 of 4 stars). 4 submissions from 4 submitters: Uncertain significance (4). Last evaluated 2025-04-10.

Conditions:
Inborn genetic diseases. Identifiers: MedGen C0950123, MeSH D030342.
Microcephaly 9, primary, autosomal recessive. Identifiers: Orphanet 2512, MedGen C3553886, MONDO:0013923, OMIM 614852.

Allele frequency attached by ClinVar (database versions not stated): ExAC 0.00006; gnomAD exomes 0.00006; TOPMed 0.00001; gnomAD 0.00003 and 0.00004.
gnomAD v4.1: 72 of 1,613,956 alleles (0.0045%); highest among the groups gnomAD compares: Admixed American, 0.023%; no homozygotes.

Submissions (4):

Ambry Genetics
Classification: Uncertain significance for Inborn genetic diseases. Last evaluated: 2025-04-10. Review status: criteria provided, single submitter. Criteria: Ambry Variant Classification Scheme 2023. Collection method: clinical testing. Allele origin: germline.

Blueprint Genetics
Classification: Uncertain significance. Last evaluated: 2024-08-06. Review status: criteria provided, single submitter. Criteria: ACMG Guidelines, 2015. Collection method: clinical testing. Allele origin: germline.

Labcorp Genetics (formerly Invitae), Labcorp
Classification: Uncertain significance. Last evaluated: 2022-05-20. Review status: criteria provided, single submitter. Criteria: Invitae Variant Classification Sherloc (09022015). Collection method: clinical testing. Allele origin: germline.
Comment: This sequence change replaces arginine, which is basic and polar, with cysteine, which is neutral and slightly polar, at codon 690 of the CEP152 protein (p.Arg690Cys). This variant is present in population databases (rs587783419, gnomAD 0.03%). This variant has not been reported in the literature in individuals affected with CEP152-related conditions. ClinVar contains an entry for this variant (Variation ID: 158241). Algorithms developed to predict the effect of missense changes on protein structure and function are either unavailable or do not agree on the potential impact of this missense change (SIFT: "Deleterious"; PolyPhen-2: "Possibly Damaging"; Align-GVGD: "Class C15"). In summary, the available evidence is currently insufficient to determine the role of this variant in disease. Therefore, it has been classified as a Variant of Uncertain Significance.

Genetic Services Laboratory, University of Chicago
Classification: Uncertain significance for Microcephaly 9, primary, autosomal recessive. Last evaluated: 2014-03-18. Review status: criteria provided, single submitter. Criteria: ACMG Guidelines, 2007. Collection method: clinical testing. Allele origin: germline. Inheritance: Autosomal recessive inheritance.